The following is an entry in ClinVar:

ClinVar aggregate classification (germline): Uncertain significance (1 of 4 stars; one submission).

Conditions:
KIF5C-related disorder. Also called: KIF5C-related condition.

gnomAD v4.1: 56 of 1,588,294 alleles (0.0035%); highest among the groups gnomAD compares: Non-Finnish European, 0.0042%; no homozygotes.

Submission:

PreventionGenetics, part of Exact Sciences
Classification: Uncertain significance for KIF5C-related condition. Last evaluated: 2024-12-21. Review status: criteria provided, single submitter. Criteria: ACMG Guidelines, 2015. Collection method: clinical testing. Allele origin: germline.
Comment: The KIF5C c.2741C>T variant is predicted to result in the amino acid substitution p.Ala914Val. To our knowledge, this variant has not been reported in the literature. This variant is reported in 0.0049% of alleles in individuals of African descent in gnomAD. At this time, the clinical significance of this variant is uncertain due to the absence of conclusive functional and genetic evidence.

NM_004522.3(KIF5C):c.2741C>T (p.Ala914Val)

Gene: KIF5C (kinesin family member 5C; plus strand). Cytogenetic location: 2q23.2.
Variant type: single nucleotide variant.
Coding change: c.2741C>T on transcript NM_004522.3 (MANE Select); coding-DNA position 2741, C replaced by T.
Protein change: p.Ala914Val; replaces alanine 914 with valine.
Molecular consequence: missense variant. On other transcripts: non-coding transcript variant (1).
Genome position (GRCh38, 1-based): chr2:149,010,325, C>T. VCF-style: chr2-149010325-C-T. GRCh37 (hg19) VCF-style: chr2-149866839-C-T.
Other names: short protein forms A914V.
Identifiers: ClinVar variation 4980781 (VCV004980781.1).
Genomic context (GRCh38, chr2:149,010,325, plus strand): 5'-GTAAGCGCTACCAGCAGGAGGTGGATCGTATCAAGGAGGCCGTGCGGGCCAAGAACATGG[C>T]CAGAAGGGCCCATTCAGCCCAGATCGGTACGTGCGTGCACAGTGGCGCCCGGGGTTTGAG-3'
Protein context (NP_004513.1, residues 904-924): IKEAVRAKNM[Ala914Val]RRAHSAQIAK